The following is an entry in ClinVar:

ClinVar aggregate classification (germline): Uncertain significance (1 of 4 stars; one submission).

Conditions:
Cardiovascular phenotype. Identifiers: MedGen CN230736.
Hereditary cancer-predisposing syndrome. Also called: Tumor predisposition; Hereditary neoplastic syndrome; Neoplastic Syndromes, Hereditary; Hereditary Cancer Syndrome. Identifiers: Orphanet 140162, MedGen C0027672, MeSH D009386, MONDO:0015356.

Submission:

Ambry Genetics
Classification: Uncertain significance for Cardiovascular phenotype; Hereditary cancer-predisposing syndrome. Last evaluated: 2025-05-05. Review status: criteria provided, single submitter. Criteria: Ambry Variant Classification Scheme 2023. Collection method: clinical testing. Allele origin: germline.
Comment: The p.K1693N variant (also known as c.5079A>T), located in coding exon 36 of the NF1 gene, results from an A to T substitution at nucleotide position 5079. The lysine at codon 1693 is replaced by asparagine, an amino acid with similar properties. This amino acid position is conserved. In addition, this alteration is predicted to be tolerated by in silico analysis. Based on the available evidence, the clinical significance of this variant remains unclear.

NM_001042492.3(NF1):c.5142A>T (p.Lys1714Asn)

Gene: NF1 (neurofibromin 1; plus strand). Cytogenetic location: 17q11.2.
Variant type: single nucleotide variant.
Coding change: c.5142A>T on transcript NM_001042492.3 (MANE Select); coding-DNA position 5142, A replaced by T.
Protein change: p.Lys1714Asn; replaces lysine 1714 with asparagine.
Molecular consequence: missense variant.
Genome position (GRCh38, 1-based): chr17:31,326,126, A>T. VCF-style: chr17-31326126-A-T. GRCh37 (hg19) VCF-style: chr17-29653144-A-T.
Other names: c.5079A>T, p.Lys1693Asn (NM_000267.4); short protein forms K1693N, K1714N.
Identifiers: ClinVar variation 4027146 (VCV004027146.1).